The following is an entry in ClinVar:

ClinVar aggregate classification (germline): Pathogenic/Likely pathogenic. Review status: no assertion criteria provided (0 of 4 stars). 2 submissions from 2 submitters: Pathogenic (1); Likely pathogenic (1). Last evaluated 2018-08-28.

Conditions:
Immunodeficiency, developmental delay, and hypohomocysteinemia. Identifiers: MedGen C4540293, MONDO:0060591, OMIM 617744.
Colorectal cancer. Also called: Malignant Colorectal Neoplasm; Colorectal cancer, somatic. Identifiers: MedGen C0346629, MONDO:0005575, OMIM 114500.

Submissions (2):

OMIM
Classification: Pathogenic for IMMUNODEFICIENCY, DEVELOPMENTAL DELAY, AND HYPOHOMOCYSTEINEMIA. Last evaluated: 2018-08-28. Review status: no assertion criteria provided. Collection method: literature only. Allele origin: germline.

Oxford Haemato-Oncology Service, Oxford University Hospitals NHS Foundation Trust
Classification: Likely pathogenic for Colorectal cancer. Last evaluated: 2017-11-27. Review status: no assertion criteria provided. Collection method: clinical testing. Allele origin: somatic. Affected: yes.
Comment: Deregulation in NFE2L2 have been associated with anti-oxydant metabolism deregulation during chemotherapy.

Literature cited by the submitters: PubMed 29018201 (cited by OMIM).

NM_006164.5(NFE2L2):c.91G>A (p.Gly31Arg)

Gene: NFE2L2 (NFE2 like bZIP transcription factor 2; minus strand). Cytogenetic location: 2q31.2.
Variant type: single nucleotide variant.
Coding change: c.91G>A on transcript NM_006164.5 (MANE Select); coding-DNA position 91, G replaced by A.
Protein change: p.Gly31Arg; replaces glycine 31 with arginine.
Molecular consequence: missense variant. On other transcripts: 5 prime UTR variant (1).
Genome position (GRCh38, 1-based): chr2:177,234,226, C>T on the plus strand (G>A on the coding strand, the complement: NFE2L2 is on the minus strand). VCF-style: chr2-177234226-C-T. GRCh37 (hg19) VCF-style: chr2-178098954-C-T.
Other names: c.43G>A, p.Gly15Arg (NM_001145412.3, NM_001145413.3, NM_001313900.1 and 1 more transcripts); c.91G>A, p.Gly31Arg (NM_001313902.2, NM_001313903.2); c.-139G>A (NM_001313904.1); short protein forms G31R, G15R.
Identifiers: ClinVar variation 445150 (VCV000445150.3), dbSNP rs1553488015, ClinGen allele CA349381821.
Genomic context (GRCh38, chr2:177,234,226, plus strand): 5'-GTTTTTCCAGCTCATACTCTTTCCGTCGCTGACTGAAGTCAAATACTTCTCGACTTACTC[C>T]AAGATCTATATCTTGCCTCCAAAGTATGTCAATCAAATCCATGTCCTATGTTTAAGACAA-3'
Protein context (NP_006155.2, residues 21-41): DILWRQDIDL[Gly31Arg]VSREVFDFSQ